The following is an entry in ClinVar:

ClinVar aggregate classification (germline): Pathogenic. Review status: criteria provided, single submitter (1 of 4 stars). 2 submissions from 2 submitters: Pathogenic (1). 1 of the submissions does not count toward it. Last evaluated 2020-07-22.

Conditions:
Nephronophthisis. Also called: Juvenile Nephronophthisis. Identifiers: Orphanet 655, MedGen C0687120, MONDO:0019005, HP:0000090.

Submissions (2):

Labcorp Genetics (formerly Invitae), Labcorp
Classification: Pathogenic for Nephronophthisis. Last evaluated: 2020-07-22. Review status: criteria provided, single submitter. Criteria: Invitae Variant Classification Sherloc (09022015). Collection method: clinical testing. Allele origin: germline.
Comment: For these reasons, this variant has been classified as Pathogenic. Loss-of-function variants in NPHP4 are known to be pathogenic (PMID: 12205563, 23559409). This variant has not been reported in the literature in individuals with NPHP4-related conditions. This variant is not present in population databases (ExAC no frequency). This sequence change creates a premature translational stop signal (p.Tyr667Phefs*23) in the NPHP4 gene. It is expected to result in an absent or disrupted protein product.

Sydney Genome Diagnostics, Children's Hospital Westmead
Classification: Pathogenic for Nephronophthisis. Last evaluated: 2018-10-25. Review status: no assertion criteria provided. Collection method: clinical testing. Allele origin: unknown. Affected: yes. Observed: 1 variant allele, 1 heterozygote. Not counted in ClinVar's aggregate classification.
Comment: This frameshifting variant is predicted to create a premature stop codon (p.Tyr667Phefs*23). To our knowledge, this variant has not been previously reported to be associated with disease. However, another truncating mutation downstream of this amino acid has been described in the literature (Mollet et al. Nature Genet 2002; 32: 300-305). This variant is considered to be pathogenic according to the ACMG guidelines.

Literature cited by the submitters: PubMed 12205563 (cited by Labcorp Genetics (formerly Invitae), Labcorp); PubMed 23559409 (cited by Labcorp Genetics (formerly Invitae), Labcorp).

NM_015102.5(NPHP4):c.1998_1999del (p.Tyr667fs)

Gene: NPHP4 (nephrocystin 4; minus strand). Cytogenetic location: 1p36.31.
Variant type: Microsatellite.
Coding change: c.1998_1999del on transcript NM_015102.5 (MANE Select); coding-DNA positions 1998 to 1999, 2 bases deleted (GT; older notation c.1998_1999delGT).
Protein change: p.Tyr667fs; shifts the reading frame from tyrosine 667.
Molecular consequence: frameshift variant. On other transcripts: non-coding transcript variant (1).
Genome position (GRCh38, 1-based): chr1:5,904,761-5,904,762, AC deleted on the plus strand (GT on the coding strand, the reverse complement: NPHP4 is on the minus strand); deleting any 2 consecutive bases within chr1:5,904,761-5,904,765 gives the same sequence; the c. name uses the placement nearest the transcript's 3' end. VCF-style (leftmost placement, unchanged base first): chr1-5904760-TAC-T. GRCh37 (hg19) VCF-style: chr1-5964820-TAC-T.
Other names: c.459_460del, p.Tyr154fs (NM_001291593.2); c.462_463del, p.Tyr155fs (NM_001291594.2); short protein forms Y154fs, Y155fs, Y667fs.
Identifiers: ClinVar variation 988262 (VCV000988262.7), dbSNP rs1644833186, ClinGen allele CA1151239399.